The following is an entry in ClinVar:

NM_201525.4(ADGRG1):c.1517_1518dup (p.Pro507fs)

Gene: ADGRG1 (adhesion G protein-coupled receptor G1; plus strand). Cytogenetic location: 16q21.
Variant type: Duplication.
Coding change: c.1517_1518dup on transcript NM_201525.4 (MANE Select); coding-DNA positions 1517 to 1518, 2 bases duplicated (TC; older notation c.1517_1518dupTC).
Protein change: p.Pro507fs; shifts the reading frame from proline 507.
Molecular consequence: frameshift variant.
Genome position (GRCh38, 1-based): chr16:57,659,643-57,659,644, TC duplicated. VCF-style (leftmost placement, unchanged base first): chr16-57659642-G-GTC. GRCh37 (hg19) VCF-style: chr16-57693554-G-GTC.
Other names: c.1517_1518dup, p.Pro507fs (NM_001145770.3, NM_001145772.3, NM_001145774.3 and 7 more transcripts); c.1535_1536dup, p.Pro513fs (NM_001145771.3, NM_001370428.1, NM_001370429.1 and 4 more transcripts); c.1532_1533dup, p.Pro512fs (NM_001145773.3, NM_001370433.1, NM_001370434.1); c.1025_1026dup, p.Pro343fs (NM_001290142.2); c.1010_1011dup, p.Pro338fs (NM_001290143.2); c.992_993dup, p.Pro332fs (NM_001290144.2, NM_001370451.1, NM_001370453.1 and 1 more transcripts); c.1514_1515dup, p.Pro506fs (NM_001370441.1); c.1361_1362dup, p.Pro455fs (NM_001370442.1); short protein forms P512fs, P343fs, P455fs, P513fs, P332fs, P338fs, P506fs, P507fs.
Identifiers: ClinVar variation 2772920 (VCV002772920.3), dbSNP rs2545469146, ClinGen allele CA2633484386.
Genomic context (GRCh38, chr16:57,659,642, plus strand): 5'-TGGATGGGCCTCGAGGGGTACAACCTCTACCGACTCGTGGTGGAGGTCTTTGGCACCTAT[G>GTC]TCCCTGGCTACCTACTCAAGCTGAGCGCCATGGGCTGGGGTAAGTGGTTGGGCGGGGGGT-3'

ClinVar aggregate classification (germline): Pathogenic (1 of 4 stars; one submission).

Allele frequency attached by ClinVar (database versions not stated): gnomAD exomes below 0.00001.

Submission:

Labcorp Genetics (formerly Invitae), Labcorp
Classification: Pathogenic. Last evaluated: 2023-10-30. Review status: criteria provided, single submitter. Criteria: Invitae Variant Classification Sherloc (09022015). Collection method: clinical testing. Allele origin: germline.
Comment: This sequence change creates a premature translational stop signal (p.Pro513Serfs*8) in the ADGRG1 gene. It is expected to result in an absent or disrupted protein product. Loss-of-function variants in ADGRG1 are known to be pathogenic (PMID: 15044805, 20929962). This variant is not present in population databases (gnomAD no frequency). This variant has not been reported in the literature in individuals affected with ADGRG1-related conditions. For these reasons, this variant has been classified as Pathogenic.

Literature cited by the submitters: PubMed 15044805; PubMed 20929962.